The following is an entry in ClinVar:

ClinVar aggregate classification (germline): Uncertain significance (1 of 4 stars; one submission).

Allele frequency attached by ClinVar (database versions not stated): gnomAD exomes below 0.00001; ExAC 0.00001; gnomAD 0.00001; TOPMed 0.00001; 1000 Genomes Project 0.00020; 1000 Genomes Project 30x 0.00031.
gnomAD v4.1: 6 of 1,613,926 alleles (0.00037%); highest among the groups gnomAD compares: African/African-American, 0.0027%; no homozygotes.

Submission:

Labcorp Genetics (formerly Invitae), Labcorp
Classification: Uncertain significance. Last evaluated: 2023-08-14. Review status: criteria provided, single submitter. Criteria: Invitae Variant Classification Sherloc (09022015). Collection method: clinical testing. Allele origin: germline.
Comment: In summary, the available evidence is currently insufficient to determine the role of this variant in disease. Therefore, it has been classified as a Variant of Uncertain Significance. Algorithms developed to predict the effect of sequence changes on RNA splicing suggest that this variant may disrupt the consensus splice site. Advanced modeling of protein sequence and biophysical properties (such as structural, functional, and spatial information, amino acid conservation, physicochemical variation, residue mobility, and thermodynamic stability) performed at Invitae indicates that this missense variant is not expected to disrupt PDE10A protein function. This variant has not been reported in the literature in individuals affected with PDE10A-related conditions. This variant is not present in population databases (gnomAD no frequency). This sequence change replaces valine, which is neutral and non-polar, with methionine, which is neutral and non-polar, at codon 733 of the PDE10A protein (p.Val733Met).

NM_001385079.1(PDE10A):c.2995G>A (p.Val999Met)

Gene: PDE10A (phosphodiesterase 10A; minus strand). Cytogenetic location: 6q27.
Variant type: single nucleotide variant.
Coding change: c.2995G>A on transcript NM_001385079.1 (MANE Select); coding-DNA position 2995, G replaced by A.
Protein change: p.Val999Met; replaces valine 999 with methionine.
Molecular consequence: missense variant.
Genome position (GRCh38, 1-based): chr6:165,336,193, C>T on the plus strand (G>A on the coding strand, the complement: PDE10A is on the minus strand). VCF-style: chr6-165336193-C-T. GRCh37 (hg19) VCF-style: chr6-165749682-C-T.
Other names: c.2197G>A, p.Val733Met (NM_001130690.3); c.2167G>A, p.Val723Met (NM_006661.4); short protein forms V723M, V999M, V733M.
Identifiers: ClinVar variation 2818057 (VCV002818057.3), dbSNP rs540559098, ClinGen allele CA4091948.